The following is an entry in ClinVar:

ClinVar aggregate classification (germline): Uncertain significance (1 of 4 stars; one submission).

Conditions:
MEGF10-related myopathy (CMYO10A). Also called: Congenital myopathy 10A, severe variant. Identifiers: Orphanet 439212, MedGen C3280679, MONDO:0013731, OMIM 614399.

Submission:

Labcorp Genetics (formerly Invitae), Labcorp
Classification: Uncertain significance for MEGF10-related myopathy. Last evaluated: 2024-08-22. Review status: criteria provided, single submitter. Criteria: Invitae Variant Classification Sherloc (09022015). Collection method: clinical testing. Allele origin: germline.
Comment: This sequence change replaces phenylalanine, which is neutral and non-polar, with serine, which is neutral and polar, at codon 619 of the MEGF10 protein (p.Phe619Ser). This variant is not present in population databases (gnomAD no frequency). This variant has not been reported in the literature in individuals affected with MEGF10-related conditions. Invitae Evidence Modeling of protein sequence and biophysical properties (such as structural, functional, and spatial information, amino acid conservation, physicochemical variation, residue mobility, and thermodynamic stability) indicates that this missense variant is not expected to disrupt MEGF10 protein function with a negative predictive value of 80%. In summary, the available evidence is currently insufficient to determine the role of this variant in disease. Therefore, it has been classified as a Variant of Uncertain Significance.

NM_001256545.2(MEGF10):c.1856T>C (p.Phe619Ser)

Gene: MEGF10 (multiple EGF like domains 10; plus strand). Cytogenetic location: 5q23.2.
Variant type: single nucleotide variant.
Coding change: c.1856T>C on transcript NM_001256545.2 (MANE Select); coding-DNA position 1856, T replaced by C.
Protein change: p.Phe619Ser; replaces phenylalanine 619 with serine.
Molecular consequence: missense variant.
Genome position (GRCh38, 1-based): chr5:127,434,702, T>C. VCF-style: chr5-127434702-T-C. GRCh37 (hg19) VCF-style: chr5-126770394-T-C.
Other names: c.1856T>C, p.Phe619Ser (NM_032446.3); short protein forms F619S.
Identifiers: ClinVar variation 3663285 (VCV003663285.2).
Genomic context (GRCh38, chr5:127,434,702, plus strand): 5'-AACGCATCTCAGAAGGATAACTGCTGATTTCCCTTCTGTTTTCAGTCTGCTCCCCTGGTT[T>C]TTATGGGCATCGCTGCAGCCAGACATGCCCACAGTGCGTTCACAGCAGCGGGCCCTGCCA-3'
Protein context (NP_001243474.1, residues 609-629): TTCQRICSPG[Phe619Ser]YGHRCSQTCP